The following is an entry in ClinVar:

NM_020882.4(COL20A1):c.811C>G (p.Gln271Glu)

Gene: COL20A1 (collagen type XX alpha 1 chain; plus strand). Cytogenetic location: 20q13.33.
Variant type: single nucleotide variant.
Coding change: c.811C>G on transcript NM_020882.4 (MANE Select); coding-DNA position 811, C replaced by G.
Protein change: p.Gln271Glu; replaces glutamine 271 with glutamic acid.
Molecular consequence: missense variant.
Genome position (GRCh38, 1-based): chr20:63,308,577, C>G. VCF-style: chr20-63308577-C-G. GRCh37 (hg19) VCF-style: chr20-61939929-C-G.
Other names: short protein forms Q271E.
Identifiers: ClinVar variation 2652521 (VCV002652521.24), dbSNP rs140030199, ClinGen allele CA9955815.
Genomic context (GRCh38, chr20:63,308,577, plus strand): 5'-TCACTTTATTCCTGCTGCTCCCAAGGCCTTGCCCTGACCCACGTGCTGGGGCAGAACCTG[C>G]AGCCGGCGGCTGGCCTCCGTCCAGAGGCAGCCAAGGTGGTGATTCTGGTGACGGACGGCA-3'
Protein context (NP_065933.2, residues 261-281): ALTHVLGQNL[Gln271Glu]PAAGLRPEAA

ClinVar aggregate classification (germline): Likely benign (1 of 4 stars; one submission).

Allele frequency attached by ClinVar (database versions not stated): 1000 Genomes Project 0.00060; 1000 Genomes Project 30x 0.00062; ESP Exome Variant Server 0.00124; TOPMed 0.00137; gnomAD 0.00157; gnomAD exomes 0.00219.
gnomAD v4.1: 3,401 of 1,605,128 alleles (0.21%); highest among the groups gnomAD compares: Non-Finnish European, 0.25%; 9 homozygotes.

Submission:

CeGaT Center for Human Genetics Tuebingen
Classification: Likely benign. Last evaluated: 2022-03-01. Review status: criteria provided, single submitter. Criteria: CeGaT Center For Human Genetics Tuebingen Variant Classification Criteria Version 2. Collection method: clinical testing. Allele origin: germline. Affected: yes. Observed: 1 variant allele.
Comment: COL20A1: BP4